The following is an entry in ClinVar:

ClinVar aggregate classification (germline): Uncertain significance. Review status: reviewed by expert panel (3 of 4 stars). 2 submissions from 2 submitters: Uncertain significance (1). 1 of the submissions does not count toward it. Last evaluated 2025-08-01.

Conditions:
Malignant hyperthermia of anesthesia. Also called: Anesthesic-triggered malignant hyperthermia. Identifiers: Orphanet 423, MedGen C0024591, MONDO:0018493, HP:0034733.

Submissions (2):

ClinGen Malignant Hyperthermia Susceptibility Variant Curation Expert Panel, ClinGen
Classification: Uncertain significance for Malignant hyperthermia of anesthesia. Last evaluated: 2025-08-01. Review status: reviewed by expert panel. Criteria: ClinGen MHS ACMG Specifications V2. Collection method: curation. Allele origin: germline. Inheritance: Autosomal dominant inheritance.
Comment: This pathogenicity assessment is relevant only for malignant hyperthermia susceptibility (MHS) inherited in an autosomal dominant pattern. Variants in RYR1 can also cause other myopathies inherited in an autosomal dominant pattern or in an autosomal recessive pattern. Some of these disorders may predispose individuals to malignant hyperthermia. RYR1 variants may also contribute to a malignant hyperthermia reaction in combination with other genetic and non-genetic factors and the clinician needs to consider such factors in making management decisions. This sequence variant predicts a substitution of leucine with glutamine at codon 2867 of the RYR1 protein, p.(Leu2867Gln). This variant was not present in a large population database (gnomAD) at the time this variant was interpreted. To our knowledge this variant has not been reported in any individuals with a clear personal or family history of an MH episode and a positive in vitro contracture test (IVCT) or caffeine halothane contracture test (CHCT) result. No functional studies were identified for this variant. This variant does not reside in a hotspot for pathogenic variants that contribute to MHS. A REVEL score >0.85 (0.923) supports a pathogenic status for this variant, PP3_Moderate. This variant has been classified as a Variant of Unknown Significance. Criteria implemented: PP3_Moderate.

RYR1 database
No classification provided. Review status: no classification provided. Collection method: not provided. Allele origin: unknown. Not counted in ClinVar's aggregate classification.

NM_000540.3(RYR1):c.8600T>A (p.Leu2867Gln)

Genes: RYR1 (ryanodine receptor 1; plus strand), LOC126862902 (BRD4-independent group 4 enhancer GRCh37_chr19:38995830-38997029; plus strand). Cytogenetic location: 19q13.2.
Variant type: single nucleotide variant.
Coding change: c.8600T>A on transcript NM_000540.3 (MANE Select); coding-DNA position 8600, T replaced by A.
Protein change: p.Leu2867Gln; replaces leucine 2867 with glutamine.
Molecular consequence: missense variant.
Genome position (GRCh38, 1-based): chr19:38,506,361, T>A. VCF-style: chr19-38506361-T-A. GRCh37 (hg19) VCF-style: chr19-38997001-T-A.
Other names: NM_000540.2(RYR1):c.8600T>A; p.Leu2867Gln; c.8600T>A, p.Leu2867Gln (NM_001042723.2); short protein forms L2867Q.
Identifiers: ClinVar variation 133230 (VCV000133230.4), dbSNP rs193922831, ClinGen allele CA024934.